The following is an entry in ClinVar:

NM_005630.3(SLCO2A1):c.402C>A (p.Asn134Lys)

Gene: SLCO2A1 (solute carrier organic anion transporter family member 2A1; minus strand). Cytogenetic location: 3q22.1.
Variant type: single nucleotide variant.
Coding change: c.402C>A on transcript NM_005630.3 (MANE Select); coding-DNA position 402, C replaced by A.
Protein change: p.Asn134Lys; replaces asparagine 134 with lysine.
Molecular consequence: missense variant.
Genome position (GRCh38, 1-based): chr3:133,955,189, G>T on the plus strand (C>A on the coding strand, the complement: SLCO2A1 is on the minus strand). VCF-style: chr3-133955189-G-T. GRCh37 (hg19) VCF-style: chr3-133674033-G-T.
Other names: c.402C>A (NM_005630.2); short protein forms N134K.
Identifiers: ClinVar variation 1357235 (VCV001357235.7), dbSNP rs200370765, ClinGen allele CA2626826.
Genomic context (GRCh38, chr3:133,955,189, plus strand): 5'-CTTACTGGGAGGCAGGTCCTGCCAATGCTTCTGGCAGAGCTCGGCCTGCAAGCGGCTGTT[G>T]TTCCCTGCAACGAGAGTGCTTGCTGGTCTCCACCACCCTGGTCTCCTGGTTCCACCGGCT-3'
Protein context (NP_005621.2, residues 124-144): PYQYTLASTG[Asn134Lys]NSRLQAELCQ

ClinVar aggregate classification (germline): Uncertain significance. Review status: criteria provided, multiple submitters, no conflicts (2 of 4 stars). 2 submissions from 2 submitters: Uncertain significance (2). Last evaluated 2024-12-17.

Conditions:
Inborn genetic diseases. Identifiers: MedGen C0950123, MeSH D030342.

Allele frequency attached by ClinVar (database versions not stated): gnomAD 0.00004 and 0.00005; TOPMed 0.00004; 1000 Genomes Project 0.00020; 1000 Genomes Project 30x 0.00031.
gnomAD v4.1: 123 of 1,612,308 alleles (0.0076%); highest among the groups gnomAD compares: East Asian, 0.027%; 1 homozygote.

Submissions (2):

Ambry Genetics
Classification: Uncertain significance for Inborn genetic diseases. Last evaluated: 2024-12-17. Review status: criteria provided, single submitter. Criteria: Ambry Variant Classification Scheme 2023. Collection method: clinical testing. Allele origin: germline.

Labcorp Genetics (formerly Invitae), Labcorp
Classification: Uncertain significance. Last evaluated: 2022-11-22. Review status: criteria provided, single submitter. Criteria: Invitae Variant Classification Sherloc (09022015). Collection method: clinical testing. Allele origin: germline.
Comment: This variant is present in population databases (rs200370765, gnomAD 0.01%). This sequence change replaces asparagine, which is neutral and polar, with lysine, which is basic and polar, at codon 134 of the SLCO2A1 protein (p.Asn134Lys). This variant has not been reported in the literature in individuals affected with SLCO2A1-related conditions. In summary, the available evidence is currently insufficient to determine the role of this variant in disease. Therefore, it has been classified as a Variant of Uncertain Significance. Algorithms developed to predict the effect of missense changes on protein structure and function are either unavailable or do not agree on the potential impact of this missense change (SIFT: "Deleterious"; PolyPhen-2: "Benign"; Align-GVGD: "Class C0"). ClinVar contains an entry for this variant (Variation ID: 1357235).